The following is an entry in ClinVar:

ClinVar aggregate classification (germline): Uncertain significance (1 of 4 stars; one submission).

Conditions:
Familial thoracic aortic aneurysm and aortic dissection (TAAD). Also called: Thoracic aortic aneurysms and dissections. Identifiers: Orphanet 91387, MedGen C4707243, MONDO:0019625.

Allele frequency attached by ClinVar (database versions not stated): gnomAD 0.00001.
gnomAD v4.1: 1 of 1,614,012 alleles (0.000062%); highest among the groups gnomAD compares: African/African-American, 0.0013%; no homozygotes.

Submission:

Labcorp Genetics (formerly Invitae), Labcorp
Classification: Uncertain significance for Familial thoracic aortic aneurysm and aortic dissection. Last evaluated: 2022-10-24. Review status: criteria provided, single submitter. Criteria: Invitae Variant Classification Sherloc (09022015). Collection method: clinical testing. Allele origin: germline.
Comment: In summary, the available evidence is currently insufficient to determine the role of this variant in disease. Therefore, it has been classified as a Variant of Uncertain Significance. Advanced modeling of protein sequence and biophysical properties (such as structural, functional, and spatial information, amino acid conservation, physicochemical variation, residue mobility, and thermodynamic stability) performed at Invitae indicates that this missense variant is not expected to disrupt TGFBR2 protein function. ClinVar contains an entry for this variant (Variation ID: 1431357). This missense change has been observed in individual(s) with thoracic aortic aneurysm and dissection (PMID: 30739908). This variant is not present in population databases (gnomAD no frequency). This sequence change replaces threonine, which is neutral and polar, with isoleucine, which is neutral and non-polar, at codon 60 of the TGFBR2 protein (p.Thr60Ile).

Literature cited by the submitters: PubMed 30739908.

NM_003242.6(TGFBR2):c.179C>T (p.Thr60Ile)

Gene: TGFBR2 (transforming growth factor beta receptor 2; plus strand). Cytogenetic location: 3p24.1.
Variant type: single nucleotide variant.
Coding change: c.179C>T on transcript NM_003242.6 (MANE Select); coding-DNA position 179, C replaced by T.
Protein change: p.Thr60Ile; replaces threonine 60 with isoleucine.
Molecular consequence: missense variant.
Genome position (GRCh38, 1-based): chr3:30,644,831, C>T. VCF-style: chr3-30644831-C-T. GRCh37 (hg19) VCF-style: chr3-30686323-C-T.
Other names: c.254C>T, p.Thr85Ile (NM_001024847.3, NM_001407126.1, NM_001407139.1); c.179C>T, p.Thr60Ile (NM_001407127.1, NM_001407130.1); c.206C>T, p.Thr69Ile (NM_001407128.1); c.74C>T, p.Thr25Ile (NM_001407129.1, NM_001407132.1, NM_001407133.1 and 3 more transcripts); short protein forms T60I, T85I, T25I, T69I.
Identifiers: ClinVar variation 1431357 (VCV001431357.9), dbSNP rs1698701633, ClinGen allele CA351806478.